The following is an entry in ClinVar:

ClinVar aggregate classification (germline): Uncertain significance (1 of 4 stars; one submission).

Submission:

Ambry Genetics
Classification: Uncertain significance. Last evaluated: 2022-12-26. Review status: criteria provided, single submitter. Criteria: Ambry Variant Classification Scheme 2023. Collection method: clinical testing. Allele origin: germline.
Comment: The p.H607Y variant (also known as c.1819C>T), located in coding exon 14 of the RECQL gene, results from a C to T substitution at nucleotide position 1819. The histidine at codon 607 is replaced by tyrosine, an amino acid with similar properties. This amino acid position is conserved. In addition, this alteration is predicted to be tolerated by in silico analysis. Since supporting evidence is limited at this time, the clinical significance of this alteration remains unclear.

NM_002907.4(RECQL):c.1819C>T (p.His607Tyr)

Genes: PYROXD1 (pyridine nucleotide-disulphide oxidoreductase domain 1; plus strand), RECQL (RecQ like helicase; minus strand). Cytogenetic location: 12p12.1.
Variant type: single nucleotide variant.
Coding change: c.1819C>T on transcript NM_002907.4 (MANE Select); coding-DNA position 1819, C replaced by T.
Protein change: p.His607Tyr; replaces histidine 607 with tyrosine.
Molecular consequence: missense variant. On other transcripts: 3 prime UTR variant (3).
Genome position (GRCh38, 1-based): chr12:21,470,325, G>A on the plus strand (C>T on the coding strand, the complement: RECQL is on the minus strand). VCF-style: chr12-21470325-G-A. GRCh37 (hg19) VCF-style: chr12-21623259-G-A.
Other names: c.1819C>T, p.His607Tyr (NM_032941.3); c.*1571G>A (NM_001350912.2, NM_001350913.2, NM_024854.5); short protein forms H607Y.
Identifiers: ClinVar variation 2446913 (VCV002446913.2), dbSNP rs2540306747, ClinGen allele CA384114008.
Genomic context (GRCh38, chr12:21,470,325, plus strand): 5'-CCTTCTTCTGGAAGTTGCCTGAATTTTTTTCCTCCATCTTTTTATCACCTTGTTCAGAAT[G>A]ACAAGTTTGAGACGATTCAGCCTACAAAAAAAAAAAAAAAACAAAGCAAGCACCTTGGTA-3'
Protein context (NP_002898.2, residues 597-617): SFRAESSQTC[His607Tyr]SEQGDKKMEE